The following is an entry in ClinVar:

ClinVar aggregate classification (germline): Uncertain significance (1 of 4 stars; one submission).

Submission:

Ambry Genetics
Classification: Uncertain significance. Last evaluated: 2026-06-18. Review status: criteria provided, single submitter. Criteria: Ambry Variant Classification Scheme 2023. Collection method: clinical testing. Allele origin: germline.
Comment: The p.Q769K variant (also known as c.2305C>A), located in coding exon 1 of the TET2 gene, results from a C to A substitution at nucleotide position 2305. The glutamine at codon 769 is replaced by lysine, an amino acid with similar properties. This amino acid position is conserved. In addition, this alteration is predicted to be tolerated by in silico analysis. Based on the available evidence, the clinical significance of this variant remains unclear.

NM_001127208.3(TET2):c.2305C>A (p.Gln769Lys)

Genes: TET2 (tet methylcytosine dioxygenase 2; plus strand), TET2-AS1 (TET2 antisense RNA 1; minus strand). Cytogenetic location: 4q24.
Variant type: single nucleotide variant.
Coding change: c.2305C>A on transcript NM_001127208.3 (MANE Select); coding-DNA position 2305, C replaced by A.
Protein change: p.Gln769Lys; replaces glutamine 769 with lysine.
Molecular consequence: missense variant.
Genome position (GRCh38, 1-based): chr4:105,236,247, C>A. VCF-style: chr4-105236247-C-A. GRCh37 (hg19) VCF-style: chr4-106157404-C-A.
Other names: c.2305C>A, p.Gln769Lys (NM_017628.4); short protein forms Q769K.
Identifiers: ClinVar variation 5030680 (VCV005030680.1).
Genomic context (GRCh38, chr4:105,236,247, plus strand): 5'-CAAATAAAGAATAAAGAGGAAATACTCCAGACTTTTCCTCACCCCCAAAGCAACAATGAT[C>A]AGCAAAGAGAAGGATCATTCTTTGGCCAGACTAAAGTGGAAGAATGTTTTCATGGTGAAA-3'
Protein context (NP_001120680.1, residues 759-779): TFPHPQSNND[Gln769Lys]QREGSFFGQT